The following is an entry in ClinVar:

ClinVar aggregate classification (germline): Likely benign (1 of 4 stars; one submission).

Allele frequency attached by ClinVar (database versions not stated): gnomAD exomes below 0.00001.
gnomAD v4.1: 1 of 1,157,558 alleles (0.000086%); highest among the groups gnomAD compares: Non-Finnish European, 0.00012%; no homozygotes.

Submission:

CeGaT Center for Human Genetics Tuebingen
Classification: Likely benign. Last evaluated: 2022-11-01. Review status: criteria provided, single submitter. Criteria: CeGaT Center For Human Genetics Tuebingen Variant Classification Criteria Version 2. Collection method: clinical testing. Allele origin: germline. Affected: yes. Observed: 1 variant allele.
Comment: NHSL2: PM2:Supporting, BP4, BP7

NM_001013627.3(NHSL2):c.3657C>T (p.Thr1219=)

Gene: NHSL2 (NHS like 2; plus strand). Cytogenetic location: Xq13.1.
Variant type: single nucleotide variant.
Coding change: c.3657C>T on transcript NM_001013627.3 (MANE Select); coding-DNA position 3657, C replaced by T.
Protein change: p.Thr1219=; no amino-acid change (threonine 1219 retained).
Molecular consequence: synonymous variant.
Genome position (GRCh38, 1-based): chrX:72,143,553, C>T. VCF-style: chrX-72143553-C-T. GRCh37 (hg19) VCF-style: chrX-71363403-C-T.
Identifiers: ClinVar variation 2660905 (VCV002660905.24), dbSNP rs2519925430, ClinGen allele CA516737296.